The following is an entry in ClinVar:

ClinVar aggregate classification (germline): Pathogenic (1 of 4 stars; one submission).

Allele frequency attached by ClinVar (database versions not stated): gnomAD exomes below 0.00001.
gnomAD v4.1: 2 of 1,614,058 alleles (0.00012%); highest among the groups gnomAD compares: African/African-American, 0.0013%; no homozygotes.

Submission:

Labcorp Genetics (formerly Invitae), Labcorp
Classification: Pathogenic. Last evaluated: 2022-04-09. Review status: criteria provided, single submitter. Criteria: Invitae Variant Classification Sherloc (09022015). Collection method: clinical testing. Allele origin: germline.
Comment: For these reasons, this variant has been classified as Pathogenic. This variant has not been reported in the literature in individuals affected with TWNK-related conditions. This variant is present in population databases (no rsID available, gnomAD 0.007%). This sequence change creates a premature translational stop signal (p.Arg406*) in the TWNK gene. It is expected to result in an absent or disrupted protein product. Loss-of-function variants in TWNK are known to be pathogenic (PMID: 21681116, 27551684, 31455392).

Literature cited by the submitters: PubMed 21681116; PubMed 27551684; PubMed 31455392.

NM_021830.5(TWNK):c.1216C>T (p.Arg406Ter)

Gene: TWNK (twinkle mtDNA helicase; plus strand). Cytogenetic location: 10q24.31.
Variant type: single nucleotide variant.
Coding change: c.1216C>T on transcript NM_021830.5 (MANE Select); coding-DNA position 1216, C replaced by T.
Protein change: p.Arg406Ter; replaces arginine 406 with a stop codon.
Molecular consequence: nonsense. On other transcripts: non-coding transcript variant (4), intron variant (3).
Genome position (GRCh38, 1-based): chr10:100,989,426, C>T. VCF-style: chr10-100989426-C-T. GRCh37 (hg19) VCF-style: chr10-102749183-C-T.
Other names: c.1216C>T, p.Arg406Ter (NM_001163812.2); c.-119-218C>T (NM_001163814.2, NM_001163813.2); c.-57-280C>T (NM_001368275.1); short protein forms R406*.
Identifiers: ClinVar variation 2123422 (VCV002123422.4), dbSNP rs1427304513, ClinGen allele CA378210102.
Genomic context (GRCh38, chr10:100,989,426, plus strand): 5'-CAAGCAGCTGGCCTCCGCTGGAGCCGCTTTCCAGACCTCAATCGTATCTTGAAGGGACAT[C>T]GAAAGGGCGAGCTGACGGTCTTCACAGGTAACCCTTTGAGAAATCACTACTTAGAGTAAA-3'